The following is an entry in ClinVar:

NM_024334.3(TMEM43):c.429G>A (p.Thr143=)

Gene: TMEM43 (transmembrane protein 43; plus strand). Cytogenetic location: 3p25.1.
Variant type: single nucleotide variant.
Coding change: c.429G>A on transcript NM_024334.3 (MANE Select); coding-DNA position 429, G replaced by A.
Protein change: p.Thr143=; no amino-acid change (threonine 143 retained).
Molecular consequence: synonymous variant.
Genome position (GRCh38, 1-based): chr3:14,132,582, G>A. VCF-style: chr3-14132582-G-A. GRCh37 (hg19) VCF-style: chr3-14174082-G-A.
Identifiers: ClinVar variation 241468 (VCV000241468.30), dbSNP rs201217046, ClinGen allele CA053540.

ClinVar aggregate classification (germline): Benign/Likely benign. Review status: criteria provided, multiple submitters, no conflicts (2 of 4 stars). 12 submissions from 12 submitters: Benign (2); Likely benign (6). 4 of the submissions do not count toward it. Last evaluated 2026-03-27.

Conditions:
TMEM43-related disorder. Also called: TMEM43-related condition.
Cardiovascular phenotype. Identifiers: MedGen CN230736.
Cardiomyopathy (CMYO). Also called: Cardiomyopathies. Identifiers: Orphanet 167848, MedGen C0878544, MONDO:0004994, HP:0001638. Inheritance: Various modes of inheritance.
Arrhythmogenic right ventricular dysplasia 5. Also called: Arrhythmogenic Right Ventricular Dysplasia/Cardiomyopathy 5; ARRHYTHMOGENIC RIGHT VENTRICULAR DYSPLASIA, FAMILIAL, 5. Identifiers: MedGen C1858379, MONDO:0011459, OMIM 604400.

Allele frequency attached by ClinVar (database versions not stated): gnomAD exomes 0.00007 and 0.00015; ExAC 0.00008; ESP Exome Variant Server 0.00008; TOPMed 0.00009; gnomAD 0.00010 and 0.00011; 1000 Genomes Project 0.00020; 1000 Genomes Project 30x 0.00031.
gnomAD v4.1: 235 of 1,614,094 alleles (0.015%); highest among the groups gnomAD compares: Non-Finnish European, 0.018%; no homozygotes.

Submissions (12):

Molecular Diagnostic Laboratory for Inherited Cardiovascular Disease, Montreal Heart Institute
Classification: Likely benign. Last evaluated: 2026-03-27. Review status: criteria provided, single submitter. Criteria: ACMG Guidelines, 2015. Collection method: clinical testing. Allele origin: germline. Affected: no.

Labcorp Genetics (formerly Invitae), Labcorp
Classification: Likely benign for Arrhythmogenic right ventricular dysplasia 5. Last evaluated: 2026-01-26. Review status: criteria provided, single submitter. Criteria: Invitae Variant Classification Sherloc (09022015). Collection method: clinical testing. Allele origin: germline.

Blueprint Genetics
Classification: Likely benign. Last evaluated: 2024-09-11. Review status: criteria provided, single submitter. Criteria: ACMG Guidelines, 2015. Collection method: clinical testing. Allele origin: germline.

All of Us Research Program, National Institutes of Health
Classification: Likely benign for Arrhythmogenic right ventricular dysplasia 5. Last evaluated: 2023-12-13. Review status: criteria provided, single submitter. Criteria: ACMG Guidelines, 2015. Collection method: clinical testing. Allele origin: germline. Inheritance: Autosomal dominant inheritance. Observed: 27 variant alleles, 27 heterozygotes.
Comment: This study involves interpretation of variants in research participants for the purpose of population health screening. Participant phenotype was not available at the time of variant classification. Additional details can be found in publication PMID: 35346344, PMCID: PMC8962531

Women's Health and Genetics/Laboratory Corporation of America, LabCorp
Classification: Benign. Last evaluated: 2022-02-12. Review status: criteria provided, single submitter. Criteria: LabCorp Variant Classification Summary - May 2015. Collection method: clinical testing. Allele origin: germline.

Ambry Genetics
Classification: Likely benign for Cardiovascular phenotype. Last evaluated: 2018-12-05. Review status: criteria provided, single submitter. Criteria: Ambry Variant Classification Scheme 2023. Collection method: clinical testing. Allele origin: germline.

Color Diagnostics, LLC DBA Color Health
Classification: Likely benign for Cardiomyopathy. Last evaluated: 2018-10-18. Review status: criteria provided, single submitter. Criteria: ACMG Guidelines, 2015. Collection method: clinical testing. Allele origin: germline.

GeneDx
Classification: Benign. Last evaluated: 2015-03-03. Review status: criteria provided, single submitter. Criteria: GeneDx Variant Classification Process June 2021. Collection method: clinical testing. Allele origin: germline. Affected: yes.

PreventionGenetics, part of Exact Sciences
Classification: Likely benign for TMEM43-related condition. Last evaluated: 2019-07-03. Review status: no assertion criteria provided. Collection method: clinical testing. Allele origin: germline. Not counted in ClinVar's aggregate classification.
Comment: This variant is classified as likely benign based on ACMG/AMP sequence variant interpretation guidelines (Richards et al. 2015 PMID: 25741868, with internal and published modifications).

Clinical Genetics DNA and cytogenetics Diagnostics Lab, Erasmus MC, Erasmus Medical Center
Classification: Likely benign. Review status: no assertion criteria provided. Collection method: clinical testing. Allele origin: germline. Affected: yes. Study: VKGL Data-share Consensus. Not counted in ClinVar's aggregate classification.

Clinical Genetics, Academic Medical Center
Classification: Likely benign. Review status: no assertion criteria provided. Collection method: clinical testing. Allele origin: germline. Affected: yes. Study: VKGL Data-share Consensus. Not counted in ClinVar's aggregate classification.

Diagnostic Laboratory, Department of Genetics, University Medical Center Groningen
Classification: Likely benign. Review status: no assertion criteria provided. Collection method: clinical testing. Allele origin: germline. Affected: yes. Study: VKGL Data-share Consensus. Not counted in ClinVar's aggregate classification.